The following is an entry in ClinVar:

ClinVar aggregate classification (germline): Uncertain significance (1 of 4 stars; one submission).

Conditions:
Epileptic encephalopathy. Identifiers: MedGen C0543888, HP:0200134.

Submission:

Labcorp Genetics (formerly Invitae), Labcorp
Classification: Uncertain significance for Epileptic encephalopathy. Last evaluated: 2023-06-10. Review status: criteria provided, single submitter. Criteria: Invitae Variant Classification Sherloc (09022015). Collection method: clinical testing. Allele origin: germline.
Comment: This sequence change replaces alanine, which is neutral and non-polar, with glycine, which is neutral and non-polar, at codon 260 of the GABBR2 protein (p.Ala260Gly). In summary, the available evidence is currently insufficient to determine the role of this variant in disease. Therefore, it has been classified as a Variant of Uncertain Significance. Advanced modeling of protein sequence and biophysical properties (such as structural, functional, and spatial information, amino acid conservation, physicochemical variation, residue mobility, and thermodynamic stability) performed at Invitae indicates that this missense variant is not expected to disrupt GABBR2 protein function. This variant has not been reported in the literature in individuals affected with GABBR2-related conditions. This variant is not present in population databases (gnomAD no frequency).

NM_005458.8(GABBR2):c.779C>G (p.Ala260Gly)

Gene: GABBR2 (gamma-aminobutyric acid type B receptor subunit 2; minus strand). Cytogenetic location: 9q22.33.
Variant type: single nucleotide variant.
Coding change: c.779C>G on transcript NM_005458.8 (MANE Select); coding-DNA position 779, C replaced by G.
Protein change: p.Ala260Gly; replaces alanine 260 with glycine.
Molecular consequence: missense variant.
Genome position (GRCh38, 1-based): chr9:98,480,951, G>C on the plus strand (C>G on the coding strand, the complement: GABBR2 is on the minus strand). VCF-style: chr9-98480951-G-C. GRCh37 (hg19) VCF-style: chr9-101243233-G-C.
Other names: short protein forms A260G.
Identifiers: ClinVar variation 2910236 (VCV002910236.3), dbSNP rs2491685575, ClinGen allele CA374351741.